The following is an entry in ClinVar:

NM_004991.4(MECOM):c.452T>C (p.Ile151Thr)

Gene: MECOM (MDS1 and EVI1 complex locus; minus strand). Cytogenetic location: 3q26.2.
Variant type: single nucleotide variant.
Coding change: c.452T>C on transcript NM_004991.4 (MANE Select); coding-DNA position 452, T replaced by C.
Protein change: p.Ile151Thr; replaces isoleucine 151 with threonine.
Molecular consequence: missense variant. On other transcripts: 5 prime UTR variant (12).
Genome position (GRCh38, 1-based): chr3:169,143,756, A>G on the plus strand (T>C on the coding strand, the complement: MECOM is on the minus strand). VCF-style: chr3-169143756-A-G. GRCh37 (hg19) VCF-style: chr3-168861544-A-G.
Other names: c.80T>C, p.Ile27Thr (NM_001105077.4); c.-113T>C (NM_001105078.4, NM_001163999.2, NM_001164000.2 and 9 more transcripts); c.452T>C, p.Ile151Thr (NM_001366466.2, NM_001366473.2); short protein forms I151T, I27T.
Identifiers: ClinVar variation 5024132 (VCV005024132.1).
Genomic context (GRCh38, chr3:169,143,756, plus strand): 5'-ACCTGATCATTTATCTGGCATGCAACAAGGTTGTGCTGATCATAACAGCCAGCGAATCTA[A>G]TGTACTTGAGCCAGCTTCCAACATCTGGTTGACTGGCATCTATGCAGAACTTCACATTGT-3'
Protein context (NP_004982.2, residues 141-161): QPDVGSWLKY[Ile151Thr]RFAGCYDQHN

ClinVar aggregate classification (germline): Uncertain significance (1 of 4 stars; one submission).

Conditions:
Inborn genetic diseases. Identifiers: MedGen C0950123, MeSH D030342.

Submission:

Ambry Genetics
Classification: Uncertain significance for Inborn genetic diseases. Last evaluated: 2026-07-12. Review status: criteria provided, single submitter. Criteria: Ambry Variant Classification Scheme 2023. Collection method: clinical testing. Allele origin: germline.
Comment: The p.I151T variant (also known as c.452T>C), located in coding exon 3 of the MECOM gene, results from a T to C substitution at nucleotide position 452. The isoleucine at codon 151 is replaced by threonine, an amino acid with similar properties. This amino acid position is conserved. In addition, the in silico prediction for this alteration is inconclusive. Based on the available evidence, the clinical significance of this variant remains unclear.